The following is an entry in ClinVar:

ClinVar aggregate classification (germline): Uncertain significance. Review status: criteria provided, multiple submitters, no conflicts (2 of 4 stars). 2 submissions from 2 submitters: Uncertain significance (2). Last evaluated 2026-01-26.

Conditions:
Neuroblastoma, susceptibility to, 3. Also called: ALK-Related Neuroblastic Tumor Susceptibility. Identifiers: Orphanet 635, MedGen C2751681, MONDO:0013083, OMIM 613014.
Hereditary cancer-predisposing syndrome. Also called: Hereditary neoplastic syndrome; Tumor predisposition; Neoplastic Syndromes, Hereditary; Hereditary Cancer Syndrome. Identifiers: Orphanet 140162, MedGen C0027672, MeSH D009386, MONDO:0015356.

Allele frequency attached by ClinVar (database versions not stated): gnomAD 0.00002 and 0.00003.
gnomAD v4.1: 4 of 1,613,858 alleles (0.00025%); highest among the groups gnomAD compares: Non-Finnish European, 0.00034%; no homozygotes.

Submissions (2):

Labcorp Genetics (formerly Invitae), Labcorp
Classification: Uncertain significance for Neuroblastoma, susceptibility to, 3. Last evaluated: 2026-01-26. Review status: criteria provided, single submitter. Criteria: Invitae Variant Classification Sherloc (09022015). Collection method: clinical testing. Allele origin: germline.
Comment: This sequence change replaces proline, which is neutral and non-polar, with leucine, which is neutral and non-polar, at codon 1620 of the ALK protein (p.Pro1620Leu). This variant is present in population databases (no rsID available, gnomAD 0.03%). This variant has not been reported in the literature in individuals affected with ALK-related conditions. ClinVar contains an entry for this variant (Variation ID: 954390). An algorithm developed to predict the effect of missense changes on protein structure and function (PolyPhen-2) suggests that this variant is likely to be disruptive. In summary, the available evidence is currently insufficient to determine the role of this variant in disease. Therefore, it has been classified as a Variant of Uncertain Significance.

Ambry Genetics
Classification: Uncertain significance for Hereditary cancer-predisposing syndrome. Last evaluated: 2025-10-01. Review status: criteria provided, single submitter. Criteria: Ambry Variant Classification Scheme 2023. Collection method: clinical testing. Allele origin: germline.
Comment: The p.P1620L variant (also known as c.4859C>T), located in coding exon 29 of the ALK gene, results from a C to T substitution at nucleotide position 4859. The proline at codon 1620 is replaced by leucine, an amino acid with similar properties. This amino acid position is well conserved in available vertebrate species. In addition, the in silico prediction for this alteration is inconclusive. Based on the available evidence, the clinical significance of this variant remains unclear.

NM_004304.5(ALK):c.4859C>T (p.Pro1620Leu)

Gene: ALK (ALK receptor tyrosine kinase; minus strand). Cytogenetic location: 2p23.2.
Variant type: single nucleotide variant.
Coding change: c.4859C>T on transcript NM_004304.5 (MANE Select); coding-DNA position 4859, C replaced by T.
Protein change: p.Pro1620Leu; replaces proline 1620 with leucine.
Molecular consequence: missense variant.
Genome position (GRCh38, 1-based): chr2:29,193,228, G>A on the plus strand (C>T on the coding strand, the complement: ALK is on the minus strand). VCF-style: chr2-29193228-G-A. GRCh37 (hg19) VCF-style: chr2-29416094-G-A.
Other names: c.1655C>T, p.Pro552Leu (NM_001353765.2); short protein forms P552L, P1620L.
Identifiers: ClinVar variation 954390 (VCV000954390.10), dbSNP rs1383494876, ClinGen allele CA346459995.